The following is an entry in ClinVar:

NC_000004.12:g.(?_177431688)_(177442395_?)dup

Gene: AGA (aspartylglucosaminidase; minus strand). Cytogenetic location: 4q34.3.
Variant type: Duplication.
Identifiers: ClinVar variation 832338 (VCV000832338.1).

ClinVar aggregate classification (germline): Uncertain significance (1 of 4 stars; one submission).

Conditions:
Aspartylglucosaminuria (AGU). Also called: AGA DEFICIENCY; GLYCOASPARAGINASE; GLYCOSYLASPARAGINASE DEFICIENCY; Aspartylglucos-aminuria; Aspartylglucos-amidase (AGA) deficiency. Identifiers: Orphanet 93, MedGen C0268225, MONDO:0008830, OMIM 208400, HP:0012068.

Submission:

Labcorp Genetics (formerly Invitae), Labcorp
Classification: Uncertain significance for Aspartylglucosaminuria. Last evaluated: 2019-04-29. Review status: criteria provided, single submitter. Criteria: Invitae Variant Classification Sherloc (09022015). Collection method: clinical testing. Allele origin: germline.
Comment: This variant results in a copy number gain of the genomic region encompassing the full coding sequence of the AGA gene. The boundaries of this event are unknown as they extend beyond the assayed region for this gene and therefore may encompass additional genes. As the precise location of this event is unknown, it may be in tandem or it may be located elsewhere in the genome. This variant has not been reported in the literature in individuals with AGA-related conditions. In summary, the available evidence is currently insufficient to determine the role of this variant in disease. Therefore, it has been classified as a Variant of Uncertain Significance.